The following is an entry in ClinVar:

ClinVar aggregate classification (germline): Uncertain significance. Review status: criteria provided, multiple submitters, no conflicts (2 of 4 stars). 4 submissions from 4 submitters: Uncertain significance (4). Last evaluated 2025-08-07.

Conditions:
Inborn genetic diseases. Identifiers: MedGen C0950123, MeSH D030342.
Fanconi anemia (FA). Also called: Fanconi's anemia. Identifiers: Orphanet 84, MedGen C0015625, MeSH D005199, MONDO:0019391.
Fanconi anemia complementation group L (FANCL). Also called: FANCL-Related Fanconi Anemia. Identifiers: Orphanet 84, MedGen C3469528, MONDO:0013566, OMIM 614083.

Allele frequency attached by ClinVar (database versions not stated): gnomAD exomes 0.00001 and 0.00002; ExAC 0.00003; TOPMed 0.00010; gnomAD 0.00011.
gnomAD v4.1: 35 of 1,600,368 alleles (0.0022%); highest among the groups gnomAD compares: African/African-American, 0.034%; no homozygotes.

Submissions (4):

Labcorp Genetics (formerly Invitae), Labcorp
Classification: Uncertain significance for Fanconi anemia. Last evaluated: 2025-08-07. Review status: criteria provided, single submitter. Criteria: Invitae Variant Classification Sherloc (09022015). Collection method: clinical testing. Allele origin: germline.
Comment: This sequence change replaces isoleucine, which is neutral and non-polar, with valine, which is neutral and non-polar, at codon 236 of the FANCL protein (p.Ile236Val). This variant is present in population databases (rs762904548, gnomAD 0.03%). This variant has not been reported in the literature in individuals affected with FANCL-related conditions. ClinVar contains an entry for this variant (Variation ID: 219754). Invitae Evidence Modeling of protein sequence and biophysical properties (such as structural, functional, and spatial information, amino acid conservation, physicochemical variation, residue mobility, and thermodynamic stability) indicates that this missense variant is not expected to disrupt FANCL protein function with a negative predictive value of 80%. In summary, the available evidence is currently insufficient to determine the role of this variant in disease. Therefore, it has been classified as a Variant of Uncertain Significance.

Fulgent Genetics
Classification: Uncertain significance for Fanconi anemia complementation group L. Last evaluated: 2024-06-21. Review status: criteria provided, single submitter. Criteria: ACMG Guidelines, 2015. Collection method: clinical testing. Allele origin: germline.

Ambry Genetics
Classification: Uncertain significance for Inborn genetic diseases. Last evaluated: 2024-01-23. Review status: criteria provided, single submitter. Criteria: Ambry Variant Classification Scheme 2023. Collection method: clinical testing. Allele origin: germline.

Sema4
Classification: Uncertain significance for Fanconi anemia. Last evaluated: 2021-11-30. Review status: criteria provided, single submitter. Criteria: Sema4 Curation Guidelines. Collection method: curation. Allele origin: germline.
Comment: The FANCL c.706A>G (p.I236V) variant has not been reported in the literature to our knowledge. It was observed in 8/24858 chromosomes of the African/African American subpopulation in the large and broad cohorts of the Genome Aggregation Database (PMID: 32461654). The variant has been reported in ClinVar (Variation ID: 219754). In silico tools suggest the impact of the variant on protein function is benign, though these predictions have not been confirmed by functional studies. The evidence is insufficient to meet ACMG/AMP criteria for classifying the variant as benign or pathogenic. Thus, the clinical significance of this variant is currently uncertain.

NM_018062.4(FANCL):c.706A>G (p.Ile236Val)

Gene: FANCL (FA complementation group L; minus strand). Cytogenetic location: 2p16.1.
Variant type: single nucleotide variant.
Coding change: c.706A>G on transcript NM_018062.4 (MANE Select); coding-DNA position 706, A replaced by G.
Protein change: p.Ile236Val; replaces isoleucine 236 with valine.
Molecular consequence: missense variant.
Genome position (GRCh38, 1-based): chr2:58,163,503, T>C on the plus strand (A>G on the coding strand, the complement: FANCL is on the minus strand). VCF-style: chr2-58163503-T-C. GRCh37 (hg19) VCF-style: chr2-58390638-T-C.
Other names: c.721A>G, p.Ile241Val (NM_001114636.2); c.751A>G, p.Ile251Val (NM_001374615.1); c.766A>G, p.Ile256Val (NM_001410792.1); short protein forms I241V, I236V, I251V, I256V.
Identifiers: ClinVar variation 219754 (VCV000219754.11), dbSNP rs762904548, ClinGen allele CA349842.